The following is an entry in ClinVar:

NM_001164665.2(KIAA1549):c.5191G>C (p.Ala1731Pro)

Gene: KIAA1549 (KIAA1549; minus strand). Cytogenetic location: 7q34.
Variant type: single nucleotide variant.
Coding change: c.5191G>C on transcript NM_001164665.2 (MANE Select); coding-DNA position 5191, G replaced by C.
Protein change: p.Ala1731Pro; replaces alanine 1731 with proline.
Molecular consequence: missense variant.
Genome position (GRCh38, 1-based): chr7:138,861,195, C>G on the plus strand (G>C on the coding strand, the complement: KIAA1549 is on the minus strand). VCF-style: chr7-138861195-C-G. GRCh37 (hg19) VCF-style: chr7-138545941-C-G.
Other names: c.5191G>C, p.Ala1731Pro (NM_020910.3); short protein forms A1731P.
Identifiers: ClinVar variation 849764 (VCV000849764.8), dbSNP rs145489214, ClinGen allele CA4505641.

ClinVar aggregate classification (germline): Conflicting classifications of pathogenicity. Review status: criteria provided, conflicting classifications (1 of 4 stars). 3 submissions from 3 submitters: Uncertain significance (2); Benign (1). Last evaluated 2025-06-09.

Conditions:
Retinal dystrophy. Also called: Inherited retinal dystrophy. Identifiers: Orphanet 71862, MedGen C0854723, MeSH D058499, MONDO:0019118, HP:0000556.

Allele frequency attached by ClinVar (database versions not stated): gnomAD 0.00002 and 0.00011; TOPMed 0.00003; gnomAD exomes 0.00007 and 0.00017; ExAC 0.00009; 1000 Genomes Project 30x 0.00047; 1000 Genomes Project 0.00060.
gnomAD v4.1: 257 of 1,613,794 alleles (0.016%); highest among the groups gnomAD compares: East Asian, 0.56%; 1 homozygote.

Submissions (3):

Labcorp Genetics (formerly Invitae), Labcorp
Classification: Uncertain significance. Last evaluated: 2025-06-09. Review status: criteria provided, single submitter. Criteria: Invitae Variant Classification Sherloc (09022015). Collection method: clinical testing. Allele origin: germline.
Comment: This sequence change replaces alanine, which is neutral and non-polar, with proline, which is neutral and non-polar, at codon 1731 of the KIAA1549 protein (p.Ala1731Pro). This variant is present in population databases (rs145489214, gnomAD 0.1%). This variant has not been reported in the literature in individuals affected with KIAA1549-related conditions. ClinVar contains an entry for this variant (Variation ID: 849764). An algorithm developed to predict the effect of missense changes on protein structure and function (PolyPhen-2) suggests that this variant is likely to be disruptive. In summary, the available evidence is currently insufficient to determine the role of this variant in disease. Therefore, it has been classified as a Variant of Uncertain Significance.

Dept Of Ophthalmology, Nagoya University
Classification: Benign for Retinal dystrophy. Last evaluated: 2023-10-01. Review status: criteria provided, single submitter. Criteria: Submitter's publication. Collection method: research. Allele origin: germline. Affected: yes.

Blueprint Genetics
Classification: Uncertain significance. Last evaluated: 2022-03-22. Review status: criteria provided, single submitter. Criteria: ACMG Guidelines, 2015. Collection method: clinical testing. Allele origin: germline.